The following is an entry in ClinVar:

NM_001267550.2(TTN):c.22440A>G (p.Gln7480=)

Gene: TTN (titin; minus strand). Cytogenetic location: 2q31.2.
Variant type: single nucleotide variant.
Coding change: c.22440A>G on transcript NM_001267550.2 (MANE Select); coding-DNA position 22440, A replaced by G.
Protein change: p.Gln7480=; no amino-acid change (glutamine 7480 retained).
Molecular consequence: synonymous variant. On other transcripts: intron variant (3).
Genome position (GRCh38, 1-based): chr2:178,722,347, T>C on the plus strand (A>G on the coding strand, the complement: TTN is on the minus strand). VCF-style: chr2-178722347-T-C. GRCh37 (hg19) VCF-style: chr2-179587074-T-C.
Other names: c.21489A>G, p.Gln7163= (NM_001256850.1); c.18708A>G, p.Gln6236= (NM_133378.4); c.13282+15735A>G (NM_003319.4); c.13858+15735A>G (NM_133437.4); c.13657+15735A>G (NM_133432.3).
Identifiers: ClinVar variation 381922 (VCV000381922.1), dbSNP rs1057521208, ClinGen allele CA16604211.
Genomic context (GRCh38, chr2:178,722,347, plus strand): 5'-TGCTGTTCCAAGTGGGTTGGAAGCTGAGCAAGAGTACTGGCCAGAGTGACTCAAGTCAGT[T>C]TGCAAAATTTTTAAAGTTGCCACATTATCTACAAATGAAGTCTGTAGATTTTCATCGTCT-3'
Protein context (NP_001254479.2, residues 7470-7490): VDNVATLKIL[Gln7480=]TDLSHSGQYS

ClinVar aggregate classification (germline): Likely benign (1 of 4 stars; one submission).

Allele frequency attached by ClinVar (database versions not stated): gnomAD exomes below 0.00001.
gnomAD v4.1: 1 of 1,613,268 alleles (0.000062%); highest among the groups gnomAD compares: East Asian, 0.0022%; no homozygotes.

Submission:

GeneDx
Classification: Likely benign. Last evaluated: 2015-11-30. Review status: criteria provided, single submitter. Criteria: GeneDx Variant Classification (06012015). Collection method: clinical testing. Allele origin: germline. Affected: yes.
Comment: This variant is considered likely benign or benign based on one or more of the following criteria: it is a conservative change, it occurs at a poorly conserved position in the protein, it is predicted to be benign by multiple in silico algorithms, and/or has population frequency not consistent with disease.